The following is an entry in ClinVar:

NM_007255.3(B4GALT7):c.305G>A (p.Arg102His)

Gene: B4GALT7 (beta-1,4-galactosyltransferase 7; plus strand). Cytogenetic location: 5q35.3.
Variant type: single nucleotide variant.
Coding change: c.305G>A on transcript NM_007255.3 (MANE Select); coding-DNA position 305, G replaced by A.
Protein change: p.Arg102His; replaces arginine 102 with histidine.
Molecular consequence: missense variant.
Genome position (GRCh38, 1-based): chr5:177,604,433, G>A. VCF-style: chr5-177604433-G-A. GRCh37 (hg19) VCF-style: chr5-177031434-G-A.
Other names: short protein forms R102H.
Identifiers: ClinVar variation 1306699 (VCV001306699.4), dbSNP rs759898367, ClinGen allele CA3586441.

ClinVar aggregate classification (germline): Uncertain significance. Review status: criteria provided, multiple submitters, no conflicts (2 of 4 stars). 2 submissions from 2 submitters: Uncertain significance (2). Last evaluated 2026-06-29.

Allele frequency attached by ClinVar (database versions not stated): TOPMed 0.00002; ExAC 0.00003; gnomAD 0.00003; gnomAD exomes 0.00003 and 0.00005.

Submissions (2):

Women's Health and Genetics/Laboratory Corporation of America, LabCorp
Classification: Uncertain significance. Last evaluated: 2026-06-29. Review status: criteria provided, single submitter. Criteria: LabCorp Variant Classification Summary - May 2015. Collection method: clinical testing. Allele origin: germline.

GeneDx
Classification: Uncertain significance. Last evaluated: 2024-08-14. Review status: criteria provided, single submitter. Criteria: GeneDx Variant Classification Process June 2021. Collection method: clinical testing. Allele origin: germline. Affected: yes.
Comment: Has not been previously published as pathogenic or benign to our knowledge; In silico analysis supports that this missense variant has a deleterious effect on protein structure/function